The following continues an entry in ClinVar:

NM_015141.4(GPD1L):c.839C>T (p.Ala280Val)

Gene: GPD1L. ClinVar aggregate classification (germline): Conflicting classifications of pathogenicity. Uncertain significance (8); Likely benign (1).

Submissions 10 to 14 of 14:

PreventionGenetics, part of Exact Sciences
Classification: Uncertain significance for GPD1L-related condition. Last evaluated: 2024-03-15. Review status: no assertion criteria provided. Collection method: clinical testing. Allele origin: germline. Not counted in ClinVar's aggregate classification.
Comment: The GPD1L c.839C>T variant is predicted to result in the amino acid substitution p.Ala280Val. This variant was reported in individuals with Brugada syndrome, left ventricular hypertrabeculation, or sudden death (London et al. 2007. PubMed ID: 17967977; Table S1, Adle et al. 2016. PubMed ID: 26743238; Methner et al. 2016. PubMed ID: 27435932; Table S3, Miszalski-Jamka et al. 2017. PubMed ID: 28798025). Functional studies showed that this variant results in reduced enzyme activity, altered SCN5A channel surface expression, and reduces inward sodium current (London et al. 2007. PubMed ID: 17967977; Valdivia et al. 2009. PubMed ID: 19666841; Liu et al. 2009. PubMed ID: 19745168). However, this variant was also reported in unaffected individuals (Table S1, Chen et al. 2018. PubMed ID: 30662450; Campuzano et al. 2019. PubMed ID: 30821013) and documented to co-occur with additional variants which may explain clinical features (Table S3, Miszalski-Jamka et al. 2017. PubMed ID: 28798025; Table S15, Clark et al. 2019. PubMed ID: 31019026; Table S1, Ziats et al. 2020. PubMed ID: 31618753). This variant is reported in 0.020% of alleles in individuals of European (non-Finnish) descent in gnomAD and the majority of labs interpret this variant as uncertain in ClinVar. At this time, the clinical significance of this variant is uncertain due to the absence of conclusive functional and genetic evidence.

Forensic Genetics Laboratory, Harris County Institute of Forensic Sciences
Classification: Pathogenic for Death in infancy. Last evaluated: 2015-03-27. Review status: no assertion criteria provided. Collection method: clinical testing. Allele origin: unknown. Affected: yes. Observed: 1 heterozygote. Study: HCIFS-Postmortem genetic screening project. Not counted in ClinVar's aggregate classification.

GeneReviews
No classification provided. Condition: Brugada syndrome 2. Review status: no classification provided. Collection method: literature only. Allele origin: germline. Affected: yes. Not counted in ClinVar's aggregate classification.

Women's Health and Genetics/Laboratory Corporation of America, LabCorp
Classification: Likely pathogenic for Brugada syndrome (shorter-than-normal QT interval). Last evaluated: 2019-06-10. Review status: flagged submission. Criteria: LabCorp Variant Classification Summary - May 2015. Collection method: clinical testing. Allele origin: germline. Not counted in ClinVar's aggregate classification.
Comment: Variant summary: GPD1L c.839C>T (p.Ala280Val) results in a non-conservative amino acid change located in the Glycerol-3-phosphate dehydrogenase, NAD-dependent, C-terminal domain (IPR006109) of the encoded protein sequence. Three of five in-silico tools predict a benign effect of the variant on protein function. The variant allele was found at a frequency of 0.00014 in 248254 control chromosomes (gnomAD). The observed variant frequency is approximately 27 fold of the estimated maximal expected allele frequency for a pathogenic variant in GPD1L causing Brugada Syndrome phenotype (5e-06), suggesting that the variant is benign or has low penetrance. c.839C>T has been reported in the literature in multiple individuals affected with Brugada Syndrome (London_2007, Adler_2016), including a large multi-generation family with several patients (London_2007). This variant has also been reported in a patient with left ventricular hypertrabeculation (Miszalski-Jamka_2017) and in an individual who suffered sudden death by an unknown cause (Methner_2016). These data indicate that the variant may be associated with disease. However, in one of these patients a co-occurrence with another pathogenic variant has also been reported (TTN, p.R10384X), providing supporting evidence for a benign role (Miszalski-Jamka_2017). Multiple publications report experimental evidence evaluating an impact on protein function and demonstrated that the A280V variant caused lower enzyme activity, and resulted in decreased surface expression of SCN5A with lower Na currents (London_2007, Valdivia_2009). Five clinical diagnostic laboratories have submitted clinical-significance assessments for this variant to ClinVar after 2014 without evidence for independent evaluation (2 pathogenic, 2 likely pathogenic, 1 VUS-favor pathogenic). Based on the evidence outlined above, the variant was classified as likely pathogenic.
ClinVar note: Reason: Outlier claim with insufficient supporting evidence

OMIM
Classification: Pathogenic for BRUGADA SYNDROME 2. Last evaluated: 2007-11-13. Review status: flagged submission. Collection method: literature only. Allele origin: germline. Not counted in ClinVar's aggregate classification.
ClinVar note: Reason: Outlier claim with insufficient supporting evidence

Literature cited by the submitters: PubMed 17967977 (cited by 7 submitters); PubMed 26743238 (cited by 5 submitters); PubMed 27435932 (cited by 6 submitters); PubMed 38962240 (cited by Labcorp Genetics (formerly Invitae), Labcorp); PubMed 19666841 (cited by 5 submitters); PubMed 19745168 (cited by 5 submitters); PubMed 20724705 (cited by Labcorp Genetics (formerly Invitae), Labcorp and Women's Health and Genetics/Laboratory Corporation of America, LabCorp); PubMed 11839626 (cited by 3 submitters); PubMed 23414114 (cited by 3 submitters); PubMed 31618753 (cited by Ambry Genetics); PubMed 32695137 (cited by Ambry Genetics); PubMed 25741879 (cited by Lildballe Lab, Aarhus University Hospital); PubMed 39481677 (cited by Lildballe Lab, Aarhus University Hospital); PubMed 28798025 (cited by 3 submitters); PubMed 22995991 (cited by Laboratory for Molecular Medicine, Mass General Brigham Personalized Medicine and Forensic Genetics Laboratory, Harris County Institute of Forensic Sciences); PubMed 28008009 (cited by Laboratory for Molecular Medicine, Mass General Brigham Personalized Medicine); NCBI Bookshelf NBK1517 (cited by GeneReviews).